The following is an entry in ClinVar:

ClinVar aggregate classification (germline): Uncertain significance (1 of 4 stars; one submission).

Conditions:
Long QT syndrome (LQTS). Identifiers: MedGen C0023976, MeSH D008133, MONDO:0002442. Disease mechanism: loss of function. Inheritance: Various modes of inheritance.

Allele frequency attached by ClinVar (database versions not stated): gnomAD exomes below 0.00001; TOPMed below 0.00001; ExAC 0.00001.

Submission:

Labcorp Genetics (formerly Invitae), Labcorp
Classification: Uncertain significance for Long QT syndrome. Last evaluated: 2019-10-11. Review status: criteria provided, single submitter. Criteria: Invitae Variant Classification Sherloc (09022015). Collection method: clinical testing. Allele origin: germline.
Comment: In summary, the available evidence is currently insufficient to determine the role of this variant in disease. Therefore, it has been classified as a Variant of Uncertain Significance. Algorithms developed to predict the effect of missense changes on protein structure and function output the following: SIFT: "Tolerated"; PolyPhen-2: "Benign"; Align-GVGD: "Class C0". The glutamic acid amino acid residue is found in multiple mammalian species, suggesting that this missense change does not adversely affect protein function. These predictions have not been confirmed by published functional studies and their clinical significance is uncertain. This variant has not been reported in the literature in individuals with CACNA1C-related conditions. This variant is present in population databases (rs754547434, ExAC 0.002%). This sequence change replaces aspartic acid with glutamic acid at codon 1834 of the CACNA1C protein (p.Asp1834Glu). The aspartic acid residue is moderately conserved and there is a small physicochemical difference between aspartic acid and glutamic acid.

NM_000719.7(CACNA1C):c.5502T>G (p.Asp1834Glu)

Genes: CACNA1C (calcium voltage-gated channel subunit alpha1 C; plus strand), CACNA1C-AS1 (CACNA1C antisense RNA 1; minus strand). Cytogenetic location: 12p13.33.
Variant type: single nucleotide variant.
Coding change: c.5502T>G on transcript NM_000719.7 (MANE Select); coding-DNA position 5502, T replaced by G.
Protein change: p.Asp1834Glu; replaces aspartic acid 1834 with glutamic acid.
Molecular consequence: missense variant.
Genome position (GRCh38, 1-based): chr12:2,682,607, T>G. VCF-style: chr12-2682607-T-G. GRCh37 (hg19) VCF-style: chr12-2791773-T-G.
Other names: c.5646T>G, p.Asp1882Glu (NM_001129827.2); c.5625T>G, p.Asp1875Glu (NM_001129829.2); c.5607T>G, p.Asp1869Glu (NM_001129830.3, NM_001167624.3); c.5586T>G, p.Asp1862Glu (NM_001129831.2); c.5562T>G, p.Asp1854Glu (NM_001129832.2); c.5559T>G, p.Asp1853Glu (NM_001129833.2, NM_001129834.2, NM_001129835.2); c.5553T>G, p.Asp1851Glu (NM_001129836.2); c.5526T>G, p.Asp1842Glu (NM_001129837.2, NM_001129838.2); and 6 more; short protein forms D1831E, D1851E, D1854E, D1917E, D1842E, D1862E, D1869E, D1823E.
Identifiers: ClinVar variation 934773 (VCV000934773.10), dbSNP rs754547434, ClinGen allele CA6389879.